The following is an entry in ClinVar:

ClinVar aggregate classification (germline): Uncertain significance (1 of 4 stars; one submission).

Allele frequency attached by ClinVar (database versions not stated): gnomAD exomes 0.00001; gnomAD 0.00002; TOPMed 0.00002.
gnomAD v4.1: 12 of 1,614,168 alleles (0.00074%); highest among the groups gnomAD compares: Non-Finnish European, 0.00059%; no homozygotes.

Submission:

Labcorp Genetics (formerly Invitae), Labcorp
Classification: Uncertain significance. Last evaluated: 2023-12-11. Review status: criteria provided, single submitter. Criteria: Invitae Variant Classification Sherloc (09022015). Collection method: clinical testing. Allele origin: germline.
Comment: This sequence change replaces arginine, which is basic and polar, with histidine, which is basic and polar, at codon 696 of the ADGRB2 protein (p.Arg696His). This variant is present in population databases (no rsID available, gnomAD 0.01%). This variant has not been reported in the literature in individuals affected with ADGRB2-related conditions. An algorithm developed to predict the effect of missense changes on protein structure and function (PolyPhen-2) suggests that this variant is likely to be disruptive. In summary, the available evidence is currently insufficient to determine the role of this variant in disease. Therefore, it has been classified as a Variant of Uncertain Significance.

NM_001364857.2(ADGRB2):c.2087G>A (p.Arg696His)

Gene: ADGRB2 (adhesion G protein-coupled receptor B2; minus strand). Cytogenetic location: 1p35.2.
Variant type: single nucleotide variant.
Coding change: c.2087G>A on transcript NM_001364857.2 (MANE Select); coding-DNA position 2087, G replaced by A.
Protein change: p.Arg696His; replaces arginine 696 with histidine.
Molecular consequence: missense variant.
Genome position (GRCh38, 1-based): chr1:31,740,006, C>T on the plus strand (G>A on the coding strand, the complement: ADGRB2 is on the minus strand). VCF-style: chr1-31740006-C-T. GRCh37 (hg19) VCF-style: chr1-32205607-C-T.
Other names: c.2087G>A, p.Arg696His (NM_001294335.2, NM_001294336.2, NM_001703.2); short protein forms R696H.
Identifiers: ClinVar variation 3017211 (VCV003017211.3), dbSNP rs1409608764, ClinGen allele CA339608393.